The following is an entry in ClinVar:

ClinVar aggregate classification (germline): Uncertain significance (1 of 4 stars; one submission).

Submission:

GeneDx
Classification: Uncertain significance. Last evaluated: 2025-08-01. Review status: criteria provided, single submitter. Criteria: GeneDx Variant Classification Process June 2021. Collection method: clinical testing. Allele origin: germline. Affected: yes.
Comment: Not observed at significant frequency in large population cohorts (gnomAD); In silico analysis suggests that this missense variant does not alter protein structure/function; Has not been previously published as pathogenic or benign to our knowledge

NM_015335.5(MED13L):c.325C>G (p.Leu109Val)

Gene: MED13L (mediator complex subunit 13L; minus strand). Cytogenetic location: 12q24.21.
Variant type: single nucleotide variant.
Coding change: c.325C>G on transcript NM_015335.5 (MANE Select); coding-DNA position 325, C replaced by G.
Protein change: p.Leu109Val; replaces leucine 109 with valine.
Molecular consequence: missense variant.
Genome position (GRCh38, 1-based): chr12:116,111,498, G>C on the plus strand (C>G on the coding strand, the complement: MED13L is on the minus strand). VCF-style: chr12-116111498-G-C. GRCh37 (hg19) VCF-style: chr12-116549303-G-C.
Other names: short protein forms L109V.
Identifiers: ClinVar variation 4690003 (VCV004690003.1).